The following is an entry in ClinVar:

NM_000548.5(TSC2):c.3731A>C (p.His1244Pro)

Gene: TSC2 (TSC complex subunit 2; plus strand). Cytogenetic location: 16p13.3.
Variant type: single nucleotide variant.
Coding change: c.3731A>C on transcript NM_000548.5 (MANE Select); coding-DNA position 3731, A replaced by C.
Protein change: p.His1244Pro; replaces histidine 1244 with proline.
Molecular consequence: missense variant.
Genome position (GRCh38, 1-based): chr16:2,081,715, A>C. VCF-style: chr16-2081715-A-C. GRCh37 (hg19) VCF-style: chr16-2131716-A-C.
Other names: c.3599A>C, p.His1200Pro (NM_001077183.3, NM_001370404.1); c.3731A>C, p.His1244Pro (NM_001114382.3); c.3491A>C, p.His1164Pro (NM_001318827.2); c.3455A>C, p.His1152Pro (NM_001318829.2); c.2999A>C, p.His1000Pro (NM_001318831.2); c.3632A>C, p.His1211Pro (NM_001318832.2); c.3602A>C, p.His1201Pro (NM_001363528.2, NM_001370405.1, NM_021055.3); short protein forms H1244P, H1200P, H1211P, H1000P, H1152P, H1164P, H1201P.
Identifiers: ClinVar variation 1464568 (VCV001464568.6), dbSNP rs2151483079, ClinGen allele CA394292881.

ClinVar aggregate classification (germline): Uncertain significance (1 of 4 stars; one submission).

Conditions:
Tuberous sclerosis 2 (TSC2). Identifiers: Orphanet 805, MedGen C1860707, MONDO:0013199, OMIM 613254.

Submission:

Labcorp Genetics (formerly Invitae), Labcorp
Classification: Uncertain significance for Tuberous sclerosis 2. Last evaluated: 2021-10-10. Review status: criteria provided, single submitter. Criteria: Invitae Variant Classification Sherloc (09022015). Collection method: clinical testing. Allele origin: germline.
Comment: This sequence change replaces histidine with proline at codon 1244 of the TSC2 protein (p.His1244Pro). The histidine residue is moderately conserved and there is a moderate physicochemical difference between histidine and proline. In summary, the available evidence is currently insufficient to determine the role of this variant in disease. Therefore, it has been classified as a Variant of Uncertain Significance. Advanced modeling of protein sequence and biophysical properties (such as structural, functional, and spatial information, amino acid conservation, physicochemical variation, residue mobility, and thermodynamic stability) performed at Invitae indicates that this missense variant is not expected to disrupt TSC2 protein function. This variant has not been reported in the literature in individuals affected with TSC2-related conditions. This variant is not present in population databases (ExAC no frequency).